The following is an entry in ClinVar:

NM_000082.4(ERCC8):c.1015T>G (p.Cys339Gly)

Gene: ERCC8 (ERCC excision repair 8, CSA ubiquitin ligase complex subunit; minus strand). Cytogenetic location: 5q12.1.
Variant type: single nucleotide variant.
Coding change: c.1015T>G on transcript NM_000082.4 (MANE Select); coding-DNA position 1015, T replaced by G.
Protein change: p.Cys339Gly; replaces cysteine 339 with glycine.
Molecular consequence: missense variant.
Genome position (GRCh38, 1-based): chr5:60,890,915, A>C on the plus strand (T>G on the coding strand, the complement: ERCC8 is on the minus strand). VCF-style: chr5-60890915-A-C. GRCh37 (hg19) VCF-style: chr5-60186742-A-C.
Other names: c.841T>G, p.Cys281Gly (NM_001007233.3); c.556T>G, p.Cys186Gly (NM_001290285.2); short protein forms C281G, C339G, C186G.
Identifiers: ClinVar variation 1410465 (VCV001410465.5), dbSNP rs755213944, ClinGen allele CA3277662.

ClinVar aggregate classification (germline): Uncertain significance (1 of 4 stars; one submission).

Allele frequency attached by ClinVar (database versions not stated): ExAC 0.00001; gnomAD exomes below 0.00001.
gnomAD v4.1: 4 of 1,613,514 alleles (0.00025%); highest among the groups gnomAD compares: Non-Finnish European, 0.00034%; no homozygotes.

Submission:

Labcorp Genetics (formerly Invitae), Labcorp
Classification: Uncertain significance. Last evaluated: 2021-12-02. Review status: criteria provided, single submitter. Criteria: Invitae Variant Classification Sherloc (09022015). Collection method: clinical testing. Allele origin: germline.
Comment: This sequence change replaces cysteine, which is neutral and slightly polar, with glycine, which is neutral and non-polar, at codon 339 of the ERCC8 protein (p.Cys339Gly). This variant is present in population databases (rs755213944, gnomAD 0.0009%). This variant has not been reported in the literature in individuals affected with ERCC8-related conditions. Algorithms developed to predict the effect of missense changes on protein structure and function are either unavailable or do not agree on the potential impact of this missense change (SIFT: "Tolerated"; PolyPhen-2: "Probably Damaging"; Align-GVGD: "Class C0"). In summary, the available evidence is currently insufficient to determine the role of this variant in disease. Therefore, it has been classified as a Variant of Uncertain Significance.